The following is an entry in ClinVar:

NM_005612.5(REST):c.968T>C (p.Met323Thr)

Gene: REST (RE1 silencing transcription factor; plus strand). Cytogenetic location: 4q12.
Variant type: single nucleotide variant.
Coding change: c.968T>C on transcript NM_005612.5 (MANE Select); coding-DNA position 968, T replaced by C.
Protein change: p.Met323Thr; replaces methionine 323 with threonine.
Molecular consequence: missense variant.
Genome position (GRCh38, 1-based): chr4:56,919,856, T>C. VCF-style: chr4-56919856-T-C. GRCh37 (hg19) VCF-style: chr4-57786022-T-C.
Other names: c.968T>C, p.Met323Thr (NM_001193508.2, NM_001363453.3); short protein forms M323T.
Identifiers: ClinVar variation 2895524 (VCV002895524.3), dbSNP rs567456057, ClinGen allele CA2932191.

ClinVar aggregate classification (germline): Uncertain significance (1 of 4 stars; one submission).

Allele frequency attached by ClinVar (database versions not stated): TOPMed below 0.00001; ExAC 0.00001; gnomAD 0.00001.

Submission:

Labcorp Genetics (formerly Invitae), Labcorp
Classification: Uncertain significance. Last evaluated: 2023-09-01. Review status: criteria provided, single submitter. Criteria: Invitae Variant Classification Sherloc (09022015). Collection method: clinical testing. Allele origin: germline.
Comment: An algorithm developed to predict the effect of missense changes on protein structure and function (PolyPhen-2) suggests that this variant is likely to be disruptive. In summary, the available evidence is currently insufficient to determine the role of this variant in disease. Therefore, it has been classified as a Variant of Uncertain Significance. This variant has not been reported in the literature in individuals affected with REST-related conditions. This sequence change replaces methionine, which is neutral and non-polar, with threonine, which is neutral and polar, at codon 323 of the REST protein (p.Met323Thr). This variant is present in population databases (rs567456057, gnomAD 0.007%).